The following is an entry in ClinVar:

NM_006206.6(PDGFRA):c.1567T>A (p.Ser523Thr)

Gene: PDGFRA (platelet derived growth factor receptor alpha; plus strand). Cytogenetic location: 4q12.
Variant type: single nucleotide variant.
Coding change: c.1567T>A on transcript NM_006206.6 (MANE Select); coding-DNA position 1567, T replaced by A.
Protein change: p.Ser523Thr; replaces serine 523 with threonine.
Molecular consequence: missense variant.
Genome position (GRCh38, 1-based): chr4:54,274,539, T>A. VCF-style: chr4-54274539-T-A. GRCh37 (hg19) VCF-style: chr4-55140706-T-A.
Other names: c.1567T>A, p.Ser523Thr (NM_001347827.2, NM_001347829.2); c.1642T>A, p.Ser548Thr (NM_001347828.2); c.1606T>A, p.Ser536Thr (NM_001347830.2); short protein forms S523T, S548T, S536T.
Identifiers: ClinVar variation 459010 (VCV000459010.12), dbSNP rs147733970, ClinGen allele CA2922618.

ClinVar aggregate classification (germline): Uncertain significance. Review status: criteria provided, multiple submitters, no conflicts (2 of 4 stars). 4 submissions from 4 submitters: Uncertain significance (4). Last evaluated 2025-10-29.

Conditions:
Polyps, multiple and recurrent inflammatory fibroid, gastrointestinal. Identifiers: MedGen C5193005, MONDO:0008285, OMIM 175510.
Hereditary cancer-predisposing syndrome. Also called: Tumor predisposition; Hereditary neoplastic syndrome; Neoplastic Syndromes, Hereditary; Hereditary Cancer Syndrome. Identifiers: Orphanet 140162, MedGen C0027672, MeSH D009386, MONDO:0015356.
Gastrointestinal stromal tumor. Also called: Gastrointestinal stroma tumor; Gastrointestinal stromal tumor, somatic. Identifiers: Orphanet 44890, MedGen C0238198, MeSH D046152, MONDO:0011719, OMIM 606764, HP:0100723.

Allele frequency attached by ClinVar (database versions not stated): gnomAD exomes below 0.00001; ExAC 0.00001; gnomAD 0.00001; TOPMed 0.00001; ESP Exome Variant Server 0.00008.
gnomAD v4.1: 3 of 1,613,116 alleles (0.00019%); highest among the groups gnomAD compares: African/African-American, 0.004%; no homozygotes.

Submissions (4):

Labcorp Genetics (formerly Invitae), Labcorp
Classification: Uncertain significance for Gastrointestinal stromal tumor. Last evaluated: 2025-10-29. Review status: criteria provided, single submitter. Criteria: Invitae Variant Classification Sherloc (09022015). Collection method: clinical testing. Allele origin: germline.
Comment: This sequence change replaces serine, which is neutral and polar, with threonine, which is neutral and polar, at codon 523 of the PDGFRA protein (p.Ser523Thr). This variant is present in population databases (rs147733970, gnomAD 0.01%). This variant has not been reported in the literature in individuals affected with PDGFRA-related conditions. ClinVar contains an entry for this variant (Variation ID: 459010). Invitae Evidence Modeling of protein sequence and biophysical properties (such as structural, functional, and spatial information, amino acid conservation, physicochemical variation, residue mobility, and thermodynamic stability) indicates that this missense variant is not expected to disrupt PDGFRA protein function with a negative predictive value of 80%. In summary, the available evidence is currently insufficient to determine the role of this variant in disease. Therefore, it has been classified as a Variant of Uncertain Significance.

Ambry Genetics
Classification: Uncertain significance for Hereditary cancer-predisposing syndrome. Last evaluated: 2025-03-10. Review status: criteria provided, single submitter. Criteria: Ambry Variant Classification Scheme 2023. Collection method: clinical testing. Allele origin: germline.
Comment: The p.S523T variant (also known as c.1567T>A), located in coding exon 10 of the PDGFRA gene, results from a T to A substitution at nucleotide position 1567. The serine at codon 523 is replaced by threonine, an amino acid with similar properties. This amino acid position is conserved. In addition, this alteration is predicted to be tolerated by in silico analysis. Based on the available evidence, the clinical significance of this variant remains unclear.

GeneDx
Classification: Uncertain significance. Last evaluated: 2024-09-26. Review status: criteria provided, single submitter. Criteria: GeneDx Variant Classification Process June 2021. Collection method: clinical testing. Allele origin: germline. Affected: yes.
Comment: Not observed at significant frequency in large population cohorts (gnomAD); In silico analysis indicates that this missense variant does not alter protein structure/function; Has not been previously published as pathogenic or benign to our knowledge

Baylor Genetics
Classification: Uncertain significance for Polyps, multiple and recurrent inflammatory fibroid, gastrointestinal. Last evaluated: 2023-08-29. Review status: criteria provided, single submitter. Criteria: ACMG Guidelines, 2015. Collection method: clinical testing. Allele origin: unknown.